The following is an entry in ClinVar:

ClinVar aggregate classification (germline): Uncertain significance. Review status: criteria provided, multiple submitters, no conflicts (2 of 4 stars). 5 submissions from 5 submitters: Uncertain significance (5). Last evaluated 2025-11-02.

Conditions:
Inborn genetic diseases. Identifiers: MedGen C0950123, MeSH D030342.
Diffuse cerebral and cerebellar atrophy - intractable seizures - progressive microcephaly syndrome. Also called: Microcephaly, progressive, with seizures and cerebral and cerebellar atrophy. Identifiers: Orphanet 404437, MedGen C4014239, MONDO:0014335, OMIM 615760.

Allele frequency attached by ClinVar (database versions not stated): gnomAD 0.00003 and 0.00004; TOPMed 0.00007.
gnomAD v4.1: 188 of 1,614,052 alleles (0.012%); highest among the groups gnomAD compares: Non-Finnish European, 0.015%; no homozygotes.

Submissions (5):

Mayo Clinic Laboratories, Mayo Clinic
Classification: Uncertain significance. Last evaluated: 2025-11-02. Review status: criteria provided, single submitter. Criteria: ACMG Guidelines, 2015. Collection method: clinical testing. Allele origin: germline. Observed: 1 variant allele.
Comment: BP4_moderate, PM2_supporting

Ambry Genetics
Classification: Uncertain significance for Inborn genetic diseases. Last evaluated: 2025-08-05. Review status: criteria provided, single submitter. Criteria: Ambry Variant Classification Scheme 2023. Collection method: clinical testing. Allele origin: germline.

GeneDx
Classification: Uncertain significance. Last evaluated: 2025-05-12. Review status: criteria provided, single submitter. Criteria: GeneDx Variant Classification Process June 2021. Collection method: clinical testing. Allele origin: germline. Affected: yes.
Comment: Not observed at significant frequency in large population cohorts (gnomAD); In silico analysis suggests that this missense variant does not alter protein structure/function; Has not been previously published as pathogenic or benign to our knowledge; This variant is associated with the following publications: (PMID: 25471517)

Blueprint Genetics
Classification: Uncertain significance. Last evaluated: 2024-10-25. Review status: criteria provided, single submitter. Criteria: ACMG Guidelines, 2015. Collection method: clinical testing. Allele origin: germline.

Labcorp Genetics (formerly Invitae), Labcorp
Classification: Uncertain significance for Diffuse cerebral and cerebellar atrophy - intractable seizures - progressive microcephaly syndrome. Last evaluated: 2022-07-06. Review status: criteria provided, single submitter. Criteria: Invitae Variant Classification Sherloc (09022015). Collection method: clinical testing. Allele origin: germline.
Comment: This sequence change replaces proline, which is neutral and non-polar, with leucine, which is neutral and non-polar, at codon 737 of the QARS protein (p.Pro737Leu). This variant is present in population databases (rs772699618, gnomAD 0.01%). This variant has not been reported in the literature in individuals affected with QARS-related conditions. ClinVar contains an entry for this variant (Variation ID: 409238). Algorithms developed to predict the effect of missense changes on protein structure and function (SIFT, PolyPhen-2, Align-GVGD) all suggest that this variant is likely to be tolerated. In summary, the available evidence is currently insufficient to determine the role of this variant in disease. Therefore, it has been classified as a Variant of Uncertain Significance.

NM_005051.3(QARS1):c.2210C>T (p.Pro737Leu)

Gene: QARS1 (glutaminyl-tRNA synthetase 1; minus strand). Cytogenetic location: 3p21.31.
Variant type: single nucleotide variant.
Coding change: c.2210C>T on transcript NM_005051.3 (MANE Select); coding-DNA position 2210, C replaced by T.
Protein change: p.Pro737Leu; replaces proline 737 with leucine.
Molecular consequence: missense variant. On other transcripts: non-coding transcript variant (1).
Genome position (GRCh38, 1-based): chr3:49,098,059, G>A on the plus strand (C>T on the coding strand, the complement: QARS1 is on the minus strand). VCF-style: chr3-49098059-G-A. GRCh37 (hg19) VCF-style: chr3-49135492-G-A.
Other names: p.Pro737Leu; c.2210C>T (NM_005051.1); c.2177C>T, p.Pro726Leu (NM_001272073.2); short protein forms P737L, P726L.
Identifiers: ClinVar variation 409238 (VCV000409238.12), dbSNP rs772699618, ClinGen allele CA2391476.